The following is an entry in ClinVar:

ClinVar aggregate classification (germline): Uncertain significance (1 of 4 stars; one submission).

Conditions:
Hereditary cancer-predisposing syndrome. Also called: Tumor predisposition; Neoplastic Syndromes, Hereditary; Hereditary Cancer Syndrome; Hereditary neoplastic syndrome. Identifiers: Orphanet 140162, MedGen C0027672, MeSH D009386, MONDO:0015356.

Submission:

Ambry Genetics
Classification: Uncertain significance for Hereditary cancer-predisposing syndrome. Last evaluated: 2025-02-08. Review status: criteria provided, single submitter. Criteria: Ambry Variant Classification Scheme 2023. Collection method: clinical testing. Allele origin: germline.
Comment: The p.L150V variant (also known as c.448C>G), located in coding exon 4 of the NBN gene, results from a C to G substitution at nucleotide position 448. The leucine at codon 150 is replaced by valine, an amino acid with highly similar properties. This amino acid position is conserved. In addition, the in silico prediction for this alteration is inconclusive. Based on the available evidence, the clinical significance of this variant remains unclear.

NM_002485.5(NBN):c.448C>G (p.Leu150Val)

Gene: NBN (nibrin; minus strand). Cytogenetic location: 8q21.3.
Variant type: single nucleotide variant.
Coding change: c.448C>G on transcript NM_002485.5 (MANE Select); coding-DNA position 448, C replaced by G.
Protein change: p.Leu150Val; replaces leucine 150 with valine.
Molecular consequence: missense variant.
Genome position (GRCh38, 1-based): chr8:89,980,766, G>C on the plus strand (C>G on the coding strand, the complement: NBN is on the minus strand). VCF-style: chr8-89980766-G-C. GRCh37 (hg19) VCF-style: chr8-90992994-G-C.
Other names: c.202C>G, p.Leu68Val (NM_001024688.3); short protein forms L68V, L150V.
Identifiers: ClinVar variation 3877902 (VCV003877902.1), dbSNP rs773119929.